The following is an entry in ClinVar:

NM_002439.5(MSH3):c.1330A>G (p.Thr444Ala)

Gene: MSH3 (mutS homolog 3; plus strand). Cytogenetic location: 5q14.1.
Variant type: single nucleotide variant.
Coding change: c.1330A>G on transcript NM_002439.5 (MANE Select); coding-DNA position 1330, A replaced by G.
Protein change: p.Thr444Ala; replaces threonine 444 with alanine.
Molecular consequence: missense variant.
Genome position (GRCh38, 1-based): chr5:80,679,083, A>G. VCF-style: chr5-80679083-A-G. GRCh37 (hg19) VCF-style: chr5-79974902-A-G.
Other names: short protein forms T444A.
Identifiers: ClinVar variation 639941 (VCV000639941.13), dbSNP rs1580556612, ClinGen allele CA360269134.

ClinVar aggregate classification (germline): Uncertain significance. Review status: criteria provided, multiple submitters, no conflicts (2 of 4 stars). 5 submissions from 5 submitters: Uncertain significance (5). Last evaluated 2025-02-14.

Conditions:
Endometrial carcinoma. Also called: Endometrial carcinoma, somatic. Identifiers: MedGen C0476089, MONDO:0002447, OMIM 608089, HP:0012114.
Familial adenomatous polyposis 4 (FAP4). Also called: MSH3-related attenuated familial adenomatous polyposis. Identifiers: Orphanet 480536, MedGen C4310719, MONDO:0044300, OMIM 617100.
Hereditary cancer-predisposing syndrome. Also called: Neoplastic Syndromes, Hereditary; Tumor predisposition; Hereditary Cancer Syndrome; Hereditary neoplastic syndrome. Identifiers: Orphanet 140162, MedGen C0027672, MeSH D009386, MONDO:0015356.

Allele frequency attached by ClinVar (database versions not stated): gnomAD exomes below 0.00001.
gnomAD v4.1: 7 of 1,614,028 alleles (0.00043%); highest among the groups gnomAD compares: Middle Eastern, 0.017%; no homozygotes.

Submissions (5):

GeneDx
Classification: Uncertain significance. Last evaluated: 2025-02-14. Review status: criteria provided, single submitter. Criteria: GeneDx Variant Classification Process June 2021. Collection method: clinical testing. Allele origin: germline. Affected: yes.
Comment: Not observed at significant frequency in large population cohorts (gnomAD); In silico analysis indicates that this missense variant does not alter protein structure/function; Has not been previously published as pathogenic or benign to our knowledge

Ambry Genetics
Classification: Uncertain significance for Hereditary cancer-predisposing syndrome. Last evaluated: 2024-06-27. Review status: criteria provided, single submitter. Criteria: Ambry Variant Classification Scheme 2023. Collection method: clinical testing. Allele origin: germline.
Comment: The p.T444A variant (also known as c.1330A>G), located in coding exon 8 of the MSH3 gene, results from an A to G substitution at nucleotide position 1330. The threonine at codon 444 is replaced by alanine, an amino acid with similar properties. This amino acid position is well conserved in available vertebrate species. In addition, this alteration is predicted to be tolerated by in silico analysis. Since supporting evidence is limited at this time, the clinical significance of this alteration remains unclear.

Baylor Genetics
Classification: Uncertain significance for Endometrial carcinoma. Last evaluated: 2024-03-01. Review status: criteria provided, single submitter. Criteria: ACMG Guidelines, 2015. Collection method: clinical testing. Allele origin: unknown.

Labcorp Genetics (formerly Invitae), Labcorp
Classification: Uncertain significance. Last evaluated: 2023-12-21. Review status: criteria provided, single submitter. Criteria: Invitae Variant Classification Sherloc (09022015). Collection method: clinical testing. Allele origin: germline.
Comment: This sequence change replaces threonine, which is neutral and polar, with alanine, which is neutral and non-polar, at codon 444 of the MSH3 protein (p.Thr444Ala). This variant is not present in population databases (gnomAD no frequency). This variant has not been reported in the literature in individuals affected with MSH3-related conditions. ClinVar contains an entry for this variant (Variation ID: 639941). Algorithms developed to predict the effect of missense changes on protein structure and function output the following: SIFT: "Not Available"; PolyPhen-2: "Benign"; Align-GVGD: "Not Available". The alanine amino acid residue is found in multiple mammalian species, which suggests that this missense change does not adversely affect protein function. In summary, the available evidence is currently insufficient to determine the role of this variant in disease. Therefore, it has been classified as a Variant of Uncertain Significance.

Department of Pathology and Laboratory Medicine, Sinai Health System
Classification: Uncertain significance for Endometrial carcinoma; Familial adenomatous polyposis 4. Last evaluated: 2021-07-30. Review status: criteria provided, single submitter. Criteria: ACMG Guidelines, 2015. Collection method: research. Allele origin: germline.